The following is an entry in ClinVar:

ClinVar aggregate classification (germline): Uncertain significance. Review status: criteria provided, multiple submitters, no conflicts (2 of 4 stars). 3 submissions from 3 submitters: Uncertain significance (3). Last evaluated 2024-12-04.

Conditions:
Hereditary cancer-predisposing syndrome. Also called: Neoplastic Syndromes, Hereditary; Hereditary Cancer Syndrome; Tumor predisposition; Hereditary neoplastic syndrome. Identifiers: Orphanet 140162, MedGen C0027672, MeSH D009386, MONDO:0015356.

Submissions (3):

Ambry Genetics
Classification: Uncertain significance for Hereditary cancer-predisposing syndrome. Last evaluated: 2024-12-04. Review status: criteria provided, single submitter. Criteria: Ambry Variant Classification Scheme 2023. Collection method: clinical testing. Allele origin: germline.
Comment: The p.Q774K variant (also known as c.2320C>A), located in coding exon 16 of the CTNNA1 gene, results from a C to A substitution at nucleotide position 2320. The glutamine at codon 774 is replaced by lysine, an amino acid with similar properties. This amino acid position is conserved. In addition, this alteration is predicted to be tolerated by in silico analysis. The evidence for this gene-disease relationship is limited; therefore, the clinical significance of this alteration is unclear.

Labcorp Genetics (formerly Invitae), Labcorp
Classification: Uncertain significance. Last evaluated: 2024-01-24. Review status: criteria provided, single submitter. Criteria: Invitae Variant Classification Sherloc (09022015). Collection method: clinical testing. Allele origin: germline.
Comment: This sequence change replaces glutamine, which is neutral and polar, with lysine, which is basic and polar, at codon 774 of the CTNNA1 protein (p.Gln774Lys). This variant is not present in population databases (gnomAD no frequency). This variant has not been reported in the literature in individuals affected with CTNNA1-related conditions. ClinVar contains an entry for this variant (Variation ID: 2446928). An algorithm developed to predict the effect of missense changes on protein structure and function (PolyPhen-2) suggests that this variant is likely to be tolerated. In summary, the available evidence is currently insufficient to determine the role of this variant in disease. Therefore, it has been classified as a Variant of Uncertain Significance.

GeneDx
Classification: Uncertain significance. Last evaluated: 2023-03-30. Review status: criteria provided, single submitter. Criteria: GeneDx Variant Classification Process June 2021. Collection method: clinical testing. Allele origin: germline. Affected: yes.
Comment: Not observed at significant frequency in large population cohorts (gnomAD); In silico analysis supports that this missense variant does not alter protein structure/function; Has not been previously published as pathogenic or benign to our knowledge

NM_001903.5(CTNNA1):c.2320C>A (p.Gln774Lys)

Gene: CTNNA1 (catenin alpha 1; plus strand). Cytogenetic location: 5q31.2.
Variant type: single nucleotide variant.
Coding change: c.2320C>A on transcript NM_001903.5 (MANE Select); coding-DNA position 2320, C replaced by A.
Protein change: p.Gln774Lys; replaces glutamine 774 with lysine.
Molecular consequence: missense variant. On other transcripts: intron variant (1).
Genome position (GRCh38, 1-based): chr5:138,932,599, C>A. VCF-style: chr5-138932599-C-A. GRCh37 (hg19) VCF-style: chr5-138268288-C-A.
Other names: c.1117C>A, p.Gln373Lys (NM_001324011.1); c.967C>A, p.Gln323Lys (NM_001324012.1, NM_001324013.1); c.1189-1203C>A (NM_001324001.1); c.2320C>A (NM_001903.3); c.2320C>A, p.Gln774Lys (NM_001290307.3, NM_001323982.2, NM_001323983.1 and 2 more transcripts); c.2011C>A, p.Gln671Lys (NM_001290309.3); c.1951C>A, p.Gln651Lys (NM_001290310.3); c.1210C>A, p.Gln404Lys (NM_001290312.1, NM_001323987.1, NM_001323988.1 and 16 more transcripts); and 2 more; short protein forms Q323K, Q743K, Q291K, Q373K, Q404K, Q774K, Q671K, Q651K.
Identifiers: ClinVar variation 2446928 (VCV002446928.7), dbSNP rs2150349160, ClinGen allele CA361134316.
Genomic context (GRCh38, chr5:138,932,599, plus strand): 5'-AGGCCAGGATACTTGGTGTTAAGCCTGCTCTCTCTTCAGTGCCCCGACTCGGCTTGCAAG[C>A]AGGACCTGCTGGCCTACCTGCAACGCATCGCCCTCTACTGCCACCAGCTGAACATCTGCA-3'
Protein context (NP_001894.2, residues 764-784): ADHCPDSACK[Gln774Lys]DLLAYLQRIA